The following is an entry in ClinVar:

NM_002485.5(NBN):c.1845+6T>C

Gene: NBN (nibrin; minus strand). Cytogenetic location: 8q21.3.
Variant type: single nucleotide variant.
Coding change: c.1845+6T>C on transcript NM_002485.5 (MANE Select); 6 bases into the intron after coding-DNA position 1845, T replaced by C.
Molecular consequence: intron variant.
Genome position (GRCh38, 1-based): chr8:89,953,238, A>G on the plus strand (T>C on the coding strand, the complement: NBN is on the minus strand). VCF-style: chr8-89953238-A-G. GRCh37 (hg19) VCF-style: chr8-90965466-A-G.
Other names: c.1599+6T>C (NM_001024688.3).
Identifiers: ClinVar variation 569053 (VCV000569053.16), dbSNP rs1033050295, ClinGen allele CA181257561.

ClinVar aggregate classification (germline): Uncertain significance. Review status: criteria provided, multiple submitters, no conflicts (2 of 4 stars). 3 submissions from 3 submitters: Uncertain significance (2). 1 of the submissions does not count toward it. Last evaluated 2025-09-14.

Conditions:
Microcephaly, normal intelligence and immunodeficiency (NBS). Also called: BERLIN BREAKAGE SYNDROME; Immunodeficiency, microcephaly with normal intelligence; Ataxia telangiectasia variant V1; Nijmegen breakage syndrome; Microcephaly with normal intelligence immunodeficiency and lymphoreticular malignancies; Nonsyndromal microcephaly autosomal recessive with normal intelligence. Identifiers: Orphanet 647, MedGen C0398791, MONDO:0009623, OMIM 251260.

Allele frequency attached by ClinVar (database versions not stated): gnomAD 0.00001; gnomAD exomes 0.00001; TOPMed 0.00001.
gnomAD v4.1: 11 of 1,573,424 alleles (0.0007%); highest among the groups gnomAD compares: Non-Finnish European, 0.00096%; no homozygotes.

Submissions (3):

Labcorp Genetics (formerly Invitae), Labcorp
Classification: Uncertain significance for Microcephaly, normal intelligence and immunodeficiency. Last evaluated: 2025-09-14. Review status: criteria provided, single submitter. Criteria: Invitae Variant Classification Sherloc (09022015). Collection method: clinical testing. Allele origin: germline.
Comment: This sequence change falls in intron 11 of the NBN gene. It does not directly change the encoded amino acid sequence of the NBN protein. It affects a nucleotide within the consensus splice site. This variant is present in population databases (no rsID available, gnomAD 0.002%). This variant has not been reported in the literature in individuals affected with NBN-related conditions. ClinVar contains an entry for this variant (Variation ID: 569053). Variants that disrupt the consensus splice site are a relatively common cause of aberrant splicing (PMID: 17576681, 9536098). Algorithms developed to predict the effect of sequence changes on RNA splicing suggest that this variant may disrupt the consensus splice site. In summary, the available evidence is currently insufficient to determine the role of this variant in disease. Therefore, it has been classified as a Variant of Uncertain Significance.

Genome-Nilou Lab
Classification: Uncertain significance for Microcephaly, normal intelligence and immunodeficiency. Last evaluated: 2021-11-07. Review status: criteria provided, single submitter. Criteria: ACMG Guidelines, 2015. Collection method: clinical testing. Allele origin: germline. Affected: no.

Natera, Inc.
Classification: Uncertain significance for Nijmegen breakage syndrome. Last evaluated: 2020-09-16. Review status: no assertion criteria provided. Collection method: clinical testing. Allele origin: germline. Not counted in ClinVar's aggregate classification.

Literature cited by the submitters: PubMed 17576681 (cited by Labcorp Genetics (formerly Invitae), Labcorp); PubMed 9536098 (cited by Labcorp Genetics (formerly Invitae), Labcorp).